The following is an entry in ClinVar:

ClinVar aggregate classification (germline): Conflicting classifications of pathogenicity. Review status: criteria provided, conflicting classifications (1 of 4 stars). 3 submissions from 3 submitters: Uncertain significance (1); Likely benign (2). Last evaluated 2026-01-10.

Conditions:
3-methylglutaconic aciduria type 1 (MGCA1). Identifiers: Orphanet 67046, MedGen C0342727, MONDO:0009610, OMIM 250950.

Allele frequency attached by ClinVar (database versions not stated): gnomAD exomes 0.00011 and 0.00019; ExAC 0.00032; gnomAD below 0.00001 and 0.00005; TOPMed 0.00002; 1000 Genomes Project 0.00020; 1000 Genomes Project 30x 0.00016.
gnomAD v4.1: 170 of 1,607,680 alleles (0.011%); highest among the groups gnomAD compares: South Asian, 0.17%; 1 homozygote.

Submissions (3):

Labcorp Genetics (formerly Invitae), Labcorp
Classification: Likely benign for 3-methylglutaconic aciduria type 1. Last evaluated: 2026-01-10. Review status: criteria provided, single submitter. Criteria: Invitae Variant Classification Sherloc (09022015). Collection method: clinical testing. Allele origin: germline.

Illumina Laboratory Services, Illumina
Classification: Uncertain significance for 3-methylglutaconic aciduria type 1. Last evaluated: 2018-01-13. Review status: criteria provided, single submitter. Criteria: ICSL Variant Classification Criteria 13 December 2019. Collection method: clinical testing. Allele origin: germline.

GeneDx
Classification: Likely benign. Last evaluated: 2017-06-12. Review status: criteria provided, single submitter. Criteria: GeneDx Variant Classification (06012015). Collection method: clinical testing. Allele origin: germline. Affected: yes.
Comment: This variant is considered likely benign or benign based on one or more of the following criteria: it is a conservative change, it occurs at a poorly conserved position in the protein, it is predicted to be benign by multiple in silico algorithms, and/or has population frequency not consistent with disease.

NM_001698.3(AUH):c.951A>T (p.Pro317=)

Gene: AUH (AU RNA binding methylglutaconyl-CoA hydratase; minus strand). Cytogenetic location: 9q22.31.
Variant type: single nucleotide variant.
Coding change: c.951A>T on transcript NM_001698.3 (MANE Select); coding-DNA position 951, A replaced by T.
Protein change: p.Pro317=; no amino-acid change (proline 317 retained).
Molecular consequence: synonymous variant.
Genome position (GRCh38, 1-based): chr9:91,214,417, T>A on the plus strand (A>T on the coding strand, the complement: AUH is on the minus strand). VCF-style: chr9-91214417-T-A. GRCh37 (hg19) VCF-style: chr9-93976699-T-A.
Other names: c.864A>T, p.Pro288= (NM_001306190.2); c.624A>T, p.Pro208= (NM_001351431.2, NM_001351432.2); c.576A>T, p.Pro192= (NM_001351433.2).
Identifiers: ClinVar variation 367476 (VCV000367476.13), dbSNP rs530710210, ClinGen allele CA5119663.